The following is an entry in ClinVar:

ClinVar aggregate classification (germline): Uncertain significance (1 of 4 stars; one submission).

Conditions:
CNTN6-related disorder. Also called: CNTN6-related condition.

Submission:

3billion
Classification: Uncertain significance for CNTN6-related disorder. Last evaluated: 2025-07-14. Review status: criteria provided, single submitter. Criteria: ACMG Guidelines, 2015. Collection method: clinical testing. Allele origin: germline. Affected: yes.
Comment: The variant is not observed in the gnomAD v4.1.0 dataset. Predicted Consequence/Location: Canonical splice site In silico tools predict the variant to alter splicing and produce an abnormal transcript [SpliceAI: 0.81 (spliceogenicity >=0.2, non-spliceogenicity <0.1)]. Therefore, this variant is classified as VUS according to the recommendation of ACMG/AMP guideline.

NM_001289080.2(CNTN6):c.946+2T>C

Gene: CNTN6 (contactin 6; plus strand). Cytogenetic location: 3p26.3.
Variant type: single nucleotide variant.
Coding change: c.946+2T>C on transcript NM_001289080.2 (MANE Select); the canonical splice donor site of the intron after coding-DNA position 946, T replaced by C.
Molecular consequence: splice donor variant. On other transcripts: intron variant (2).
Genome position (GRCh38, 1-based): chr3:1,321,836, T>C. VCF-style: chr3-1321836-T-C. GRCh37 (hg19) VCF-style: chr3-1363520-T-C.
Other names: c.838+2T>C (NM_001349356.2); c.-177+2T>C (NM_001349360.2, NM_001349361.2, NM_001349362.2); c.634+2T>C (NM_001349357.2); c.730+2T>C (NM_001289081.2); c.-176-3979T>C (NM_001349359.2); c.946+2T>C (NM_001349351.2, NM_001349354.2, NM_014461.4 and 4 more transcripts); c.659-7949T>C (NM_001349358.2).
Identifiers: ClinVar variation 4855468 (VCV004855468.1).